The following is an entry in ClinVar:

ClinVar aggregate classification (germline): Likely benign. Review status: criteria provided, multiple submitters, no conflicts (2 of 4 stars). 4 submissions from 4 submitters: Likely benign (4). Last evaluated 2026-05-12.

Conditions:
Familial thoracic aortic aneurysm and aortic dissection (TAAD). Also called: Thoracic aortic aneurysms and dissections. Identifiers: Orphanet 91387, MedGen C4707243, MONDO:0019625.
Adams-Oliver syndrome 5 (AOS5). Identifiers: Orphanet 974, MedGen C4014970, MONDO:0014459, OMIM 616028.

Allele frequency attached by ClinVar (database versions not stated): gnomAD 0.00001; ExAC 0.00003; TOPMed 0.00003; gnomAD exomes 0.00004.

Submissions (4):

Ambry Genetics
Classification: Likely benign for Familial thoracic aortic aneurysm and aortic dissection. Last evaluated: 2026-05-12. Review status: criteria provided, single submitter. Criteria: Ambry Variant Classification Scheme 2023. Collection method: clinical testing. Allele origin: germline.

CeGaT Center for Human Genetics Tuebingen
Classification: Likely benign. Last evaluated: 2026-05-01. Review status: criteria provided, single submitter. Criteria: CeGaT Center For Human Genetics Tuebingen Variant Classification Criteria Version 2. Collection method: clinical testing. Allele origin: germline. Affected: yes. Observed: 1 variant allele.
Comment: NOTCH1: BP4, BP7

Labcorp Genetics (formerly Invitae), Labcorp
Classification: Likely benign for Adams-Oliver syndrome 5. Last evaluated: 2025-03-17. Review status: criteria provided, single submitter. Criteria: Invitae Variant Classification Sherloc (09022015). Collection method: clinical testing. Allele origin: germline.

Blueprint Genetics
Classification: Likely benign. Last evaluated: 2024-02-28. Review status: criteria provided, single submitter. Criteria: ACMG Guidelines, 2015. Collection method: clinical testing. Allele origin: germline.

NM_017617.5(NOTCH1):c.3495C>T (p.Gly1165=)

Gene: NOTCH1 (notch receptor 1; minus strand). Cytogenetic location: 9q34.3.
Variant type: single nucleotide variant.
Coding change: c.3495C>T on transcript NM_017617.5 (MANE Select); coding-DNA position 3495, C replaced by T.
Protein change: p.Gly1165=; no amino-acid change (glycine 1165 retained).
Molecular consequence: synonymous variant.
Genome position (GRCh38, 1-based): chr9:136,507,970, G>A on the plus strand (C>T on the coding strand, the complement: NOTCH1 is on the minus strand). VCF-style: chr9-136507970-G-A. GRCh37 (hg19) VCF-style: chr9-139402422-G-A.
Other names: c.3495C>T (NM_017617.3).
Identifiers: ClinVar variation 1154561 (VCV001154561.13), dbSNP rs778909557, ClinGen allele CA5340915.